The following is an entry in ClinVar:

NM_000158.4(GBE1):c.1109G>A (p.Gly370Asp)

Gene: GBE1 (1,4-alpha-glucan branching enzyme 1; minus strand). Cytogenetic location: 3p12.2.
Variant type: single nucleotide variant.
Coding change: c.1109G>A on transcript NM_000158.4 (MANE Select); coding-DNA position 1109, G replaced by A.
Protein change: p.Gly370Asp; replaces glycine 370 with aspartic acid.
Molecular consequence: missense variant.
Genome position (GRCh38, 1-based): chr3:81,591,164, C>T on the plus strand (G>A on the coding strand, the complement: GBE1 is on the minus strand). VCF-style: chr3-81591164-C-T. GRCh37 (hg19) VCF-style: chr3-81640315-C-T.
Other names: short protein forms G370D.
Identifiers: ClinVar variation 2192992 (VCV002192992.4), dbSNP rs775786214, ClinGen allele CA353685696.
Genomic context (GRCh38, chr3:81,591,164, plus strand): 5'-AAGGCATCTTCATCTACTTGTAGTCCGAAATATTCACTGTAATCACCTGAGAAACCTTGA[C>T]CTTAGAAAAAGAAAATCAATACGGATATATTATGTTAACAAGCAAGTCTTAACTCTGCAC-3'
Protein context (NP_000149.4, residues 360-380): TSMLYHHHGV[Gly370Asp]QGFSGDYSEY

ClinVar aggregate classification (germline): Uncertain significance (1 of 4 stars; one submission).

Conditions:
Glycogen storage disease IV, classic hepatic. Also called: GSD IV, CLASSIC HEPATIC. Identifiers: MedGen C1856301.
Glycogen storage disease, type IV (GSD4). Also called: Glycogen storage disease due to glycogen branching enzyme deficiency; AMYLOPECTINOSIS; ANDERSEN DISEASE; BRANCHER DEFICIENCY; CIRRHOSIS, FAMILIAL, WITH DEPOSITION OF ABNORMAL GLYCOGEN; GBE1 DEFICIENCY. Identifiers: Orphanet 367, MedGen C0017923, MONDO:0009292, OMIM 232500.

Submission:

Labcorp Genetics (formerly Invitae), Labcorp
Classification: Uncertain significance for Glycogen storage disease, type IV; Glycogen storage disease IV, classic hepatic. Last evaluated: 2022-07-15. Review status: criteria provided, single submitter. Criteria: Invitae Variant Classification Sherloc (09022015). Collection method: clinical testing. Allele origin: germline.
Comment: This sequence change replaces glycine, which is neutral and non-polar, with aspartic acid, which is acidic and polar, at codon 370 of the GBE1 protein (p.Gly370Asp). This variant is not present in population databases (gnomAD no frequency). This variant has not been reported in the literature in individuals affected with GBE1-related conditions. Algorithms developed to predict the effect of missense changes on protein structure and function are either unavailable or do not agree on the potential impact of this missense change (SIFT: "Not Available"; PolyPhen-2: "Benign"; Align-GVGD: "Not Available"). In summary, the available evidence is currently insufficient to determine the role of this variant in disease. Therefore, it has been classified as a Variant of Uncertain Significance.